The following is an entry in ClinVar:

ClinVar aggregate classification (germline): Uncertain significance (1 of 4 stars; one submission).

Conditions:
Cardiomyopathy (CMYO). Also called: Cardiomyopathies. Identifiers: Orphanet 167848, MedGen C0878544, MONDO:0004994, HP:0001638. Inheritance: Various modes of inheritance.

Submission:

Color Diagnostics, LLC DBA Color Health
Classification: Uncertain significance for Cardiomyopathy. Last evaluated: 2019-12-18. Review status: criteria provided, single submitter. Criteria: ACMG Guidelines, 2015. Collection method: clinical testing. Allele origin: germline.
Comment: This variant causes a deletion of four nucleotides from intron 11 splice acceptor site of the RYR2 gene. Splice site prediction tools and conservation analysis are inconclusive regarding the impact of this variant on RNA splicing. To our knowledge, functional studies have not been performed for this variant. This variant has not been reported in individuals affected with cardiovascular disorders in the literature. This variant has not been identified in the general population by the Genome Aggregation Database (gnomAD). The available evidence is insufficient to determine the role of this variant in disease conclusively. Therefore, this variant is classified as a Variant of Uncertain Significance.

NM_001035.3(RYR2):c.849-15_849-12del

Gene: RYR2 (ryanodine receptor 2; plus strand). Cytogenetic location: 1q43.
Variant type: Deletion.
Coding change: c.849-15_849-12del on transcript NM_001035.3 (MANE Select); 15 bases into the intron before coding-DNA position 849 through 12 bases into the intron before coding-DNA position 849, 4 bases deleted (AACT; older notation c.849-15_849-12delAACT).
Molecular consequence: intron variant.
Genome position (GRCh38, 1-based): chr1:237,423,077-237,423,080, AACT deleted; deleting any 4 consecutive bases within chr1:237,423,075-237,423,080 gives the same sequence; the c. name uses the placement nearest the transcript's 3' end. VCF-style (leftmost placement, unchanged base first): chr1-237423074-CCTAA-C. GRCh37 (hg19) VCF-style: chr1-237586374-CCTAA-C.
Identifiers: ClinVar variation 920180 (VCV000920180.3), dbSNP rs1705757186, ClinGen allele CA1139656648.